The following is an entry in ClinVar:

NM_183357.3(ADCY5):c.1805+13T>C

Gene: ADCY5 (adenylate cyclase 5; minus strand). Cytogenetic location: 3q21.1.
Variant type: single nucleotide variant.
Coding change: c.1805+13T>C on transcript NM_183357.3 (MANE Select); 13 bases into the intron after coding-DNA position 1805, T replaced by C.
Molecular consequence: intron variant.
Genome position (GRCh38, 1-based): chr3:123,328,631, A>G on the plus strand (T>C on the coding strand, the complement: ADCY5 is on the minus strand). VCF-style: chr3-123328631-A-G. GRCh37 (hg19) VCF-style: chr3-123047478-A-G.
Other names: c.1805+13T>C (NM_001378259.1); c.755+13T>C (NM_001199642.1).
Identifiers: ClinVar variation 1164245 (VCV001164245.20), dbSNP rs9855635, ClinGen allele CA2577377.

ClinVar aggregate classification (germline): Benign. Review status: criteria provided, multiple submitters, no conflicts (2 of 4 stars). 9 submissions from 7 submitters: Benign (7). 2 of the submissions do not count toward it. Last evaluated 2026-02-04.

Conditions:
Neurodevelopmental disorder with hyperkinetic movements and dyskinesia. Identifiers: MedGen C5562038, MONDO:0859211, OMIM 619651.
Dyskinesia with orofacial involvement, autosomal recessive. Identifiers: MedGen C5562036, MONDO:0030625, OMIM 619647.
Dyskinesia with orofacial involvement, autosomal dominant (DSKOD). Also called: Dyskinesia, familial, with facial myokymia; Familial dyskinesia and facial myokymia; Familial Dyskinesia with Facial Myokymia (FDFM). Identifiers: Orphanet 324588, MedGen C1847627, MONDO:0800028, OMIM 606703.

Allele frequency attached by ClinVar (database versions not stated): 1000 Genomes Project 30x 0.21408; 1000 Genomes Project 0.21526; TOPMed 0.25862; gnomAD 0.27676 and 0.27704; ESP Exome Variant Server 0.28925; gnomAD exomes 0.30027 and 0.34617; ExAC 0.30438.
gnomAD v4.1: 546,882 of 1,612,816 alleles (34%); highest among the groups gnomAD compares: Non-Finnish European, 37%; 97,133 homozygotes.

Submissions (9):

Labcorp Genetics (formerly Invitae), Labcorp
Classification: Benign. Last evaluated: 2026-02-04. Review status: criteria provided, single submitter. Criteria: Invitae Variant Classification Sherloc (09022015). Collection method: clinical testing. Allele origin: germline.

Unidad de Genómica Garrahan, Hospital de Pediatría Garrahan
Classification: Benign. Last evaluated: 2024-07-31. Review status: criteria provided, single submitter. Criteria: ACMG Guidelines, 2015. Collection method: clinical testing. Allele origin: germline. Affected: no. Observed: 30 variant alleles.
Comment: This variant is classified as Benign based on local population frequency. This variant was detected in 32% of patients studied in a panel designed for Epileptic and Developmental Encephalopathy, Progressive Myoclonus Epilepsy and Abnormal Movements and Neurodegeneration with brain iron accumulation. Number of patients: 30. Only high quality variants are reported.

Genome-Nilou Lab
Classification: Benign for Dyskinesia with orofacial involvement, autosomal dominant. Last evaluated: 2021-12-05. Review status: criteria provided, single submitter. Criteria: ACMG Guidelines, 2015. Collection method: clinical testing. Allele origin: germline. Affected: no.

Genome-Nilou Lab
Classification: Benign for Dyskinesia with orofacial involvement, autosomal recessive. Last evaluated: 2021-12-05. Review status: criteria provided, single submitter. Criteria: ACMG Guidelines, 2015. Collection method: clinical testing. Allele origin: germline. Affected: no.

Genome-Nilou Lab
Classification: Benign for Neurodevelopmental disorder with hyperkinetic movements and dyskinesia. Last evaluated: 2021-12-05. Review status: criteria provided, single submitter. Criteria: ACMG Guidelines, 2015. Collection method: clinical testing. Allele origin: germline. Affected: no.

GeneDx
Classification: Benign. Last evaluated: 2018-08-14. Review status: criteria provided, single submitter. Criteria: GeneDx Variant Classification Process June 2021. Collection method: clinical testing. Allele origin: germline. Affected: yes.

Breakthrough Genomics
Classification: Benign. Review status: criteria provided, single submitter. Criteria: ACMG Guidelines, 2015. Collection method: not provided. Allele origin: germline. Inheritance: Autosomal recessive inheritance. Affected: yes.

Diagnostic Laboratory, Department of Genetics, University Medical Center Groningen
Classification: Benign. Review status: no assertion criteria provided. Collection method: clinical testing. Allele origin: germline. Affected: yes. Study: VKGL Data-share Consensus. Not counted in ClinVar's aggregate classification.

Joint Genome Diagnostic Labs from Nijmegen and Maastricht, Radboudumc and MUMC+
Classification: Benign. Review status: no assertion criteria provided. Collection method: clinical testing. Allele origin: germline. Affected: yes. Study: VKGL Data-share Consensus. Not counted in ClinVar's aggregate classification.